The following is an entry in ClinVar:

ClinVar aggregate classification (germline): Uncertain significance (1 of 4 stars; one submission).

Conditions:
Pierson syndrome. Also called: MICROCORIA-CONGENITAL NEPHROTIC SYNDROME. Identifiers: Orphanet 2670, MedGen C1836876, MONDO:0012184, OMIM 609049.
LAMB2-related infantile-onset nephrotic syndrome. Also called: NEPHROTIC SYNDROME, TYPE 5, WITHOUT OCULAR ABNORMALITIES; NEPHROTIC SYNDROME, TYPE 5, WITH OCULAR ABNORMALITIES; Nephrotic Syndrome, type 5. Identifiers: Orphanet 306507, MedGen C3280113, MONDO:0013621, OMIM 614199.

Allele frequency attached by ClinVar (database versions not stated): TOPMed below 0.00001; gnomAD 0.00001.
gnomAD v4.1: 1 of 1,614,032 alleles (0.000062%); highest among the groups gnomAD compares: East Asian, 0.0022%; no homozygotes.

Submission:

Labcorp Genetics (formerly Invitae), Labcorp
Classification: Uncertain significance for LAMB2-related infantile-onset nephrotic syndrome; Pierson syndrome. Last evaluated: 2021-04-12. Review status: criteria provided, single submitter. Criteria: Invitae Variant Classification Sherloc (09022015). Collection method: clinical testing. Allele origin: germline.
Comment: This variant has not been reported in the literature in individuals with LAMB2-related conditions. In summary, the available evidence is currently insufficient to determine the role of this variant in disease. Therefore, it has been classified as a Variant of Uncertain Significance. Algorithms developed to predict the effect of missense changes on protein structure and function are either unavailable or do not agree on the potential impact of this missense change (SIFT: "Tolerated"; PolyPhen-2: "Possibly Damaging"; Align-GVGD: "Class C0"). This variant is not present in population databases (ExAC no frequency). This sequence change replaces glycine with valine at codon 753 of the LAMB2 protein (p.Gly753Val). The glycine residue is moderately conserved and there is a moderate physicochemical difference between glycine and valine.

NM_002292.4(LAMB2):c.2258G>T (p.Gly753Val)

Gene: LAMB2 (laminin subunit beta 2; minus strand). Cytogenetic location: 3p21.31.
Variant type: single nucleotide variant.
Coding change: c.2258G>T on transcript NM_002292.4 (MANE Select); coding-DNA position 2258, G replaced by T.
Protein change: p.Gly753Val; replaces glycine 753 with valine.
Molecular consequence: missense variant.
Genome position (GRCh38, 1-based): chr3:49,126,053, C>A on the plus strand (G>T on the coding strand, the complement: LAMB2 is on the minus strand). VCF-style: chr3-49126053-C-A. GRCh37 (hg19) VCF-style: chr3-49163486-C-A.
Other names: short protein forms G753V.
Identifiers: ClinVar variation 1525731 (VCV001525731.8), dbSNP rs780591744, ClinGen allele CA352725737.
Genomic context (GRCh38, chr3:49,126,053, plus strand): 5'-GACAGGCTGATGAGGAGGGGTGCGCAGGCCTCAGAGGGAGAAGTCTTGCTGGGCACCAGA[C>A]CCTCCTCATGGCATTGGTAGCGTTCAAAGGTGGCCTGGCGCTCCAGGGCAGCAGCATCAC-3'
Protein context (NP_002283.3, residues 743-763): TFERYQCHEE[Gly753Val]LVPSKTSPSE